The following is an entry in ClinVar:

NM_024747.6(HPS6):c.2238A>G (p.Gln746=)

Gene: HPS6 (HPS6 biogenesis of lysosomal organelles complex 2 subunit 3; plus strand). Cytogenetic location: 10q24.32.
Variant type: single nucleotide variant.
Coding change: c.2238A>G on transcript NM_024747.6 (MANE Select); coding-DNA position 2238, A replaced by G.
Protein change: p.Gln746=; no amino-acid change (glutamine 746 retained).
Molecular consequence: synonymous variant.
Genome position (GRCh38, 1-based): chr10:102,067,712, A>G. VCF-style: chr10-102067712-A-G. GRCh37 (hg19) VCF-style: chr10-103827469-A-G.
Identifiers: ClinVar variation 666702 (VCV000666702.12), dbSNP rs371739854, ClinGen allele CA5660140.
Genomic context (GRCh38, chr10:102,067,712, plus strand): 5'-AGCAGAGCCCCCTCTCACTGTGGGCTTGCTCAAAGCCCTGCTGGAGCAGACTGGGGCTCA[A>G]GGATGGCTGTCGGGCCCAGTTCTAAGCCCATATGAGGACATCCTATGGGACCCCAGCACT-3'
Protein context (NP_079023.2, residues 736-756): LKALLEQTGA[Gln746=]GWLSGPVLSP

ClinVar aggregate classification (germline): Likely benign. Review status: criteria provided, multiple submitters, no conflicts (2 of 4 stars). 3 submissions from 3 submitters: Likely benign (3). Last evaluated 2025-08-03.

Allele frequency attached by ClinVar (database versions not stated): ExAC 0.00004; gnomAD exomes 0.00004; ESP Exome Variant Server 0.00008; gnomAD 0.00010 and 0.00011; TOPMed 0.00018.
gnomAD v4.1: 60 of 1,613,620 alleles (0.0037%); highest among the groups gnomAD compares: African/African-American, 0.06%; no homozygotes.

Submissions (3):

Labcorp Genetics (formerly Invitae), Labcorp
Classification: Likely benign. Last evaluated: 2025-08-03. Review status: criteria provided, single submitter. Criteria: Invitae Variant Classification Sherloc (09022015). Collection method: clinical testing. Allele origin: germline.

Blueprint Genetics
Classification: Likely benign. Last evaluated: 2024-02-08. Review status: criteria provided, single submitter. Criteria: ACMG Guidelines, 2015. Collection method: clinical testing. Allele origin: germline.

Laboratory for Molecular Medicine, Mass General Brigham Personalized Medicine
Classification: Likely benign. Last evaluated: 2013-02-21. Review status: criteria provided, single submitter. Criteria: LMM Criteria. Collection method: clinical testing. Allele origin: germline. Observed: 1 variant allele.
Comment: Gln746Gln in exon 1 of HPS6: This variant is not expected to have clinical signi ficance because it does not alter an amino acid residue and is not located withi n the splice consensus sequence. It has been identified in 1/4398 African Americ an chromosomes from a broad population by the NHLBI Exome Sequencing Project.